The following is an entry in ClinVar:

ClinVar aggregate classification (germline): Pathogenic (0 of 4 stars; one submission).

Conditions:
Fanconi anemia complementation group A (FANCA). Also called: Fanconi anemia, group A; FANCA-Related Fanconi Anemia. Identifiers: Orphanet 84, MedGen C3469521, MONDO:0009215, OMIM 227650.

Submission:

Leiden Open Variation Database
Classification: Pathogenic for Fanconi anemia complementation group A. Last evaluated: 2020-02-28. Review status: no assertion criteria provided. Collection method: curation. Allele origin: germline. Affected: yes.
Comment: Curator: Arleen D. Auerbach. Submitter to LOVD: Arleen D. Auerbach.

Literature cited by the submitters: PubMed 10090479.

NC_000016.10:g.(89740100_89740803)_(89740867_89742799)del

Genes: FANCA (FA complementation group A; minus strand), ZNF276 (zinc finger protein 276; plus strand). Cytogenetic location: 16q24.3.
Variant type: Deletion.
Identifiers: ClinVar variation 974265 (VCV000974265.1).